The following is an entry in ClinVar:

ClinVar aggregate classification (germline): Conflicting classifications of pathogenicity. Review status: criteria provided, conflicting classifications (1 of 4 stars). 4 submissions from 4 submitters: Pathogenic (1); Uncertain significance (2). 1 of the submissions does not count toward it. Last evaluated 2024-10-14.

Conditions:
Mucopolysaccharidosis, MPS-III-A (MPS3A). Also called: Mucopolysaccharidosis, type IIIA; MPS IIIA (Sanfilippo Syndrome Type A); MPS III A; SANFILIPPO SYNDROME A; SULFAMIDASE DEFICIENCY; Mucopolysaccharidosis type IIIA (Sanfilippo A). Identifiers: Orphanet 581, Orphanet 79269, MedGen C0086647, MONDO:0009655, OMIM 252900.

Allele frequency attached by ClinVar (database versions not stated): TOPMed below 0.00001; gnomAD exomes 0.00001 and below 0.00001.
gnomAD v4.1: 9 of 1,613,934 alleles (0.00056%); highest among the groups gnomAD compares: Non-Finnish European, 0.00068%; no homozygotes.

Submissions (4):

Labcorp Genetics (formerly Invitae), Labcorp
Classification: Pathogenic for Mucopolysaccharidosis, MPS-III-A. Last evaluated: 2024-10-14. Review status: criteria provided, single submitter. Criteria: Invitae Variant Classification Sherloc (09022015). Collection method: clinical testing. Allele origin: germline.
Comment: This sequence change replaces tyrosine, which is neutral and polar, with cysteine, which is neutral and slightly polar, at codon 439 of the SGSH protein (p.Tyr439Cys). This variant is present in population databases (no rsID available, gnomAD 0.0009%). This missense change has been observed in individual(s) with mucopolysaccharidosis type III (external communication). In at least one individual the data is consistent with being in trans (on the opposite chromosome) from a pathogenic variant. ClinVar contains an entry for this variant (Variation ID: 650213). Invitae Evidence Modeling of protein sequence and biophysical properties (such as structural, functional, and spatial information, amino acid conservation, physicochemical variation, residue mobility, and thermodynamic stability) indicates that this missense variant is expected to disrupt SGSH protein function with a positive predictive value of 95%. For these reasons, this variant has been classified as Pathogenic.

GeneDx
Classification: Uncertain significance. Last evaluated: 2024-04-04. Review status: criteria provided, single submitter. Criteria: GeneDx Variant Classification Process June 2021. Collection method: clinical testing. Allele origin: germline. Affected: yes.
Comment: Not observed at significant frequency in large population cohorts (gnomAD); In silico analysis supports that this missense variant has a deleterious effect on protein structure/function; Has not been previously published as pathogenic or benign to our knowledge

Genome-Nilou Lab
Classification: Uncertain significance for Mucopolysaccharidosis, MPS-III-A. Last evaluated: 2021-11-07. Review status: criteria provided, single submitter. Criteria: ACMG Guidelines, 2015. Collection method: clinical testing. Allele origin: germline. Affected: no.

Natera, Inc.
Classification: Uncertain significance for Mucopolysaccharidosis type IIIA. Last evaluated: 2020-12-10. Review status: no assertion criteria provided. Collection method: clinical testing. Allele origin: germline. Not counted in ClinVar's aggregate classification.

NM_000199.5(SGSH):c.1316A>G (p.Tyr439Cys)

Gene: SGSH (N-sulfoglucosamine sulfohydrolase; minus strand). Cytogenetic location: 17q25.3.
Variant type: single nucleotide variant.
Coding change: c.1316A>G on transcript NM_000199.5 (MANE Select); coding-DNA position 1316, A replaced by G.
Protein change: p.Tyr439Cys; replaces tyrosine 439 with cysteine.
Molecular consequence: missense variant. On other transcripts: 3 prime UTR variant (2), non-coding transcript variant (1).
Genome position (GRCh38, 1-based): chr17:80,210,645, T>C on the plus strand (A>G on the coding strand, the complement: SGSH is on the minus strand). VCF-style: chr17-80210645-T-C. GRCh37 (hg19) VCF-style: chr17-78184444-T-C.
Other names: c.*403A>G (NM_001352921.3); c.*366A>G (NM_001352922.2); short protein forms Y439C.
Identifiers: ClinVar variation 650213 (VCV000650213.13), dbSNP rs900198526, ClinGen allele CA294890479.